The following is an entry in ClinVar:

NM_006514.4(SCN10A):c.2282T>C (p.Leu761Pro)

Gene: SCN10A (sodium voltage-gated channel alpha subunit 10; minus strand). Cytogenetic location: 3p22.2.
Variant type: single nucleotide variant.
Coding change: c.2282T>C on transcript NM_006514.4 (MANE Select); coding-DNA position 2282, T replaced by C.
Protein change: p.Leu761Pro; replaces leucine 761 with proline.
Molecular consequence: missense variant.
Genome position (GRCh38, 1-based): chr3:38,728,900, A>G on the plus strand (T>C on the coding strand, the complement: SCN10A is on the minus strand). VCF-style: chr3-38728900-A-G. GRCh37 (hg19) VCF-style: chr3-38770391-A-G.
Other names: c.2282T>C, p.Leu761Pro (NM_001293306.2); c.1988T>C, p.Leu663Pro (NM_001293307.2); c.2282T>C (NM_006514.3); short protein forms L761P, L663P.
Identifiers: ClinVar variation 1463301 (VCV001463301.9), dbSNP rs139988577, ClinGen allele CA2320577.
Genomic context (GRCh38, chr3:38,728,900, plus strand): 5'-CCGATGATCTTGATGAGTGTGTTTAAGGTGGGCCAGGATTTGGCCAGCTTGAATACGCGC[A>G]GCTGCAGAGAAACAGAGACCGTCAGGTTTTGGTAGCTGTGCTCATTACCTTTCATCTAAA-3'
Protein context (NP_006505.4, residues 751-771): SLSVLRSFRL[Leu761Pro]RVFKLAKSWP

ClinVar aggregate classification (germline): Uncertain significance. Review status: criteria provided, multiple submitters, no conflicts (2 of 4 stars). 4 submissions from 4 submitters: Uncertain significance (3). 1 of the submissions does not count toward it. Last evaluated 2026-04-14.

Conditions:
SCN10A-related disorder. Also called: SCN10A-related condition.
Cardiovascular phenotype. Identifiers: MedGen CN230736.
Brugada syndrome. Also called: Sudden unexpected nocturnal death syndrome; Sudden unexplained nocturnal death syndrome; Sudden Unexplained Death Syndrome; Sudden Unexplained Nocturnal Death Syndrome (SUNDS). Identifiers: Orphanet 130, MedGen C1142166, MONDO:0015263.

Allele frequency attached by ClinVar (database versions not stated): TOPMed 0.00002; 1000 Genomes Project 0.00020; ExAC 0.00002; 1000 Genomes Project 30x 0.00016; gnomAD exomes 0.00002 and 0.00003; gnomAD 0.00003.
gnomAD v4.1: 31 of 1,602,338 alleles (0.0019%); highest among the groups gnomAD compares: Middle Eastern, 0.017%; no homozygotes.

Submissions (4):

GeneDx
Classification: Uncertain significance. Last evaluated: 2026-04-14. Review status: criteria provided, single submitter. Criteria: GeneDx Variant Classification Process June 2021. Collection method: clinical testing. Allele origin: germline.
Comment: In silico analysis supports that this missense variant has a deleterious effect on protein structure/function; Has not been previously published as pathogenic or benign to our knowledge

Ambry Genetics
Classification: Uncertain significance for Cardiovascular phenotype. Last evaluated: 2025-01-11. Review status: criteria provided, single submitter. Criteria: Ambry Variant Classification Scheme 2023. Collection method: clinical testing. Allele origin: germline.
Comment: The p.L761P variant (also known as c.2282T>C), located in coding exon 15 of the SCN10A gene, results from a T to C substitution at nucleotide position 2282. The leucine at codon 761 is replaced by proline, an amino acid with similar properties. This amino acid position is conserved. In addition, this alteration is predicted to be deleterious by in silico analysis. Since supporting evidence is limited at this time, the clinical significance of this alteration remains unclear.

Labcorp Genetics (formerly Invitae), Labcorp
Classification: Uncertain significance for Brugada syndrome. Last evaluated: 2022-07-18. Review status: criteria provided, single submitter. Criteria: Invitae Variant Classification Sherloc (09022015). Collection method: clinical testing. Allele origin: germline.
Comment: This sequence change replaces leucine, which is neutral and non-polar, with proline, which is neutral and non-polar, at codon 761 of the SCN10A protein (p.Leu761Pro). This variant is present in population databases (rs139988577, gnomAD 0.007%). This variant has not been reported in the literature in individuals affected with SCN10A-related conditions. ClinVar contains an entry for this variant (Variation ID: 1463301). Algorithms developed to predict the effect of missense changes on protein structure and function (SIFT, PolyPhen-2, Align-GVGD) all suggest that this variant is likely to be disruptive. In summary, the available evidence is currently insufficient to determine the role of this variant in disease. Therefore, it has been classified as a Variant of Uncertain Significance.

PreventionGenetics, part of Exact Sciences
Classification: Uncertain significance for SCN10A-related condition. Last evaluated: 2024-06-13. Review status: no assertion criteria provided. Collection method: clinical testing. Allele origin: germline. Not counted in ClinVar's aggregate classification.
Comment: The SCN10A c.2282T>C variant is predicted to result in the amino acid substitution p.Leu761Pro. To our knowledge, this variant has not been reported in the literature. This variant is reported in 0.0064% of alleles in individuals of European (Non-Finnish) descent in gnomAD. At this time, the clinical significance of this variant is uncertain due to the absence of conclusive functional and genetic evidence.